The following is an entry in ClinVar:

NM_000350.3(ABCA4):c.1869G>T (p.Gln623His)

Gene: ABCA4 (ATP binding cassette subfamily A member 4; minus strand). Cytogenetic location: 1p22.1.
Variant type: single nucleotide variant.
Coding change: c.1869G>T on transcript NM_000350.3 (MANE Select); coding-DNA position 1869, G replaced by T.
Protein change: p.Gln623His; replaces glutamine 623 with histidine.
Molecular consequence: missense variant.
Genome position (GRCh38, 1-based): chr1:94,062,645, C>A on the plus strand (G>T on the coding strand, the complement: ABCA4 is on the minus strand). VCF-style: chr1-94062645-C-A. GRCh37 (hg19) VCF-style: chr1-94528201-C-A.
Other names: c.1869G>T, p.Gln623His (NM_001425324.1); short protein forms Q623H.
Identifiers: ClinVar variation 4765105 (VCV004765105.1).

ClinVar aggregate classification (germline): Uncertain significance (1 of 4 stars; one submission).

gnomAD v4.1: 2 of 1,614,082 alleles (0.00012%); highest among the groups gnomAD compares: African/African-American, 0.0013%; no homozygotes.

Submission:

Labcorp Genetics (formerly Invitae), Labcorp
Classification: Uncertain significance. Last evaluated: 2025-11-03. Review status: criteria provided, single submitter. Criteria: Invitae Variant Classification Sherloc (09022015). Collection method: clinical testing. Allele origin: germline.
Comment: This sequence change replaces glutamine, which is neutral and polar, with histidine, which is basic and polar, at codon 623 of the ABCA4 protein (p.Gln623His). This variant is present in population databases (no rsID available, gnomAD no frequency). This variant has not been reported in the literature in individuals affected with ABCA4-related conditions. Invitae Evidence Modeling of protein sequence and biophysical properties (such as structural, functional, and spatial information, amino acid conservation, physicochemical variation, residue mobility, and thermodynamic stability) indicates that this missense variant is not expected to disrupt ABCA4 protein function with a negative predictive value of 95%. This variant disrupts the p.Gln623 amino acid residue in ABCA4. Other variant(s) that disrupt this residue have been determined to be pathogenic (PMID: 21911583, 32619608). This suggests that this residue is clinically significant, and that variants that disrupt this residue are likely to be disease-causing. In summary, the available evidence is currently insufficient to determine the role of this variant in disease. Therefore, it has been classified as a Variant of Uncertain Significance.

Literature cited by the submitters: PubMed 21911583; PubMed 32619608.